The following is an entry in ClinVar:

ClinVar aggregate classification (germline): Uncertain significance. Review status: criteria provided, multiple submitters, no conflicts (2 of 4 stars). 3 submissions from 3 submitters: Uncertain significance (3). Last evaluated 2025-01-31.

Submissions (3):

Women's Health and Genetics/Laboratory Corporation of America, LabCorp
Classification: Uncertain significance. Last evaluated: 2025-01-31. Review status: criteria provided, single submitter. Criteria: LabCorp Variant Classification Summary - May 2015. Collection method: clinical testing. Allele origin: germline.
Comment: Variant summary: USH2A c.4646G>C (p.Arg1549Pro) results in a non-conservative amino acid change located in the Laminin G domain profile (IPR001791) of the encoded protein sequence. Five of five in-silico tools predict a damaging effect of the variant on protein function. The variant was absent in 251346 control chromosomes. The available data on variant occurrences in the general population are insufficient to allow any conclusion about variant significance. c.4646G>C has been reported in the literature in the presumed compound heterozygous state in at least 1 individual affected with Usher Syndrome (Mansard_2021). These data do not allow any conclusion about variant significance. To our knowledge, no experimental evidence demonstrating an impact on protein function has been reported. The following publication has been ascertained in the context of this evaluation (PMID: 34948090). ClinVar contains an entry for this variant (Variation ID: 444204). Based on the evidence outlined above, the variant was classified as uncertain significance.

Blueprint Genetics
Classification: Uncertain significance. Last evaluated: 2023-05-22. Review status: criteria provided, single submitter. Criteria: ACMG Guidelines, 2015. Collection method: clinical testing. Allele origin: germline.

CeGaT Center for Human Genetics Tuebingen
Classification: Uncertain significance. Last evaluated: 2017-05-01. Review status: criteria provided, single submitter. Criteria: CeGaT Center For Human Genetics Tuebingen Variant Classification Criteria Version 2. Collection method: clinical testing. Allele origin: germline. Affected: yes. Observed: 1 variant allele.

Literature cited by the submitters: PubMed 34948090 (cited by Women's Health and Genetics/Laboratory Corporation of America, LabCorp).

NM_206933.4(USH2A):c.4646G>C (p.Arg1549Pro)

Gene: USH2A (usherin; minus strand). Cytogenetic location: 1q41.
Variant type: single nucleotide variant.
Coding change: c.4646G>C on transcript NM_206933.4 (MANE Select); coding-DNA position 4646, G replaced by C.
Protein change: p.Arg1549Pro; replaces arginine 1549 with proline.
Molecular consequence: missense variant.
Genome position (GRCh38, 1-based): chr1:216,097,195, C>G on the plus strand (G>C on the coding strand, the complement: USH2A is on the minus strand). VCF-style: chr1-216097195-C-G. GRCh37 (hg19) VCF-style: chr1-216270537-C-G.
Other names: short protein forms R1549P.
Identifiers: ClinVar variation 444204 (VCV000444204.45), dbSNP rs190170807, ClinGen allele CA344861403.